The following is an entry in ClinVar:

NM_020822.3(KCNT1):c.797C>T (p.Ala266Val)

Gene: KCNT1 (potassium sodium-activated channel subfamily T member 1; plus strand). Cytogenetic location: 9q34.3.
Variant type: single nucleotide variant.
Coding change: c.797C>T on transcript NM_020822.3 (MANE Select); coding-DNA position 797, C replaced by T.
Protein change: p.Ala266Val; replaces alanine 266 with valine.
Molecular consequence: missense variant.
Genome position (GRCh38, 1-based): chr9:135,758,451, C>T. VCF-style: chr9-135758451-C-T. GRCh37 (hg19) VCF-style: chr9-138650297-C-T.
Other names: c.653C>T, p.Ala218Val (NM_001272003.2); short protein forms A218V, A266V.
Identifiers: ClinVar variation 1001533 (VCV001001533.9), dbSNP rs1341175923, ClinGen allele CA375498167.

ClinVar aggregate classification (germline): Uncertain significance (1 of 4 stars; one submission).

Conditions:
Autosomal dominant nocturnal frontal lobe epilepsy 5. Also called: KCNT1-Related Epilepsy; CILIARY DYSKINESIA, PRIMARY, 28, WITHOUT SITUS INVERSUS; CILIARY DYSKINESIA, PRIMARY, 28, WITH SITUS INVERSUS; Epilepsy, nocturnal frontal lobe, 5. Identifiers: Orphanet 98784, MedGen C3554306, MONDO:0014002, OMIM 615005.
Developmental and epileptic encephalopathy, 14 (DEE14). Also called: Early infantile epileptic encephalopathy 14. Identifiers: Orphanet 293181, MedGen C3554195, MONDO:0013989, OMIM 614959.

Allele frequency attached by ClinVar (database versions not stated): gnomAD exomes below 0.00001.
gnomAD v4.1: 1 of 1,613,604 alleles (0.000062%); highest among the groups gnomAD compares: Admixed American, 0.0017%; no homozygotes.

Submission:

Labcorp Genetics (formerly Invitae), Labcorp
Classification: Uncertain significance for Autosomal dominant nocturnal frontal lobe epilepsy 5; Developmental and epileptic encephalopathy, 14. Last evaluated: 2021-07-02. Review status: criteria provided, single submitter. Criteria: Invitae Variant Classification Sherloc (09022015). Collection method: clinical testing. Allele origin: germline.
Comment: This sequence change replaces alanine with valine at codon 266 of the KCNT1 protein (p.Ala266Val). The alanine residue is highly conserved and there is a small physicochemical difference between alanine and valine. This variant is not present in population databases (ExAC no frequency). This variant has not been reported in the literature in individuals affected with KCNT1-related conditions. Algorithms developed to predict the effect of missense changes on protein structure and function are either unavailable or do not agree on the potential impact of this missense change (SIFT: "Deleterious"; PolyPhen-2: "Benign"; Align-GVGD: "Class C0"). In summary, the available evidence is currently insufficient to determine the role of this variant in disease. Therefore, it has been classified as a Variant of Uncertain Significance.